The following is an entry in ClinVar:

NM_000170.3(GLDC):c.1832T>G (p.Val611Gly)

Gene: GLDC (glycine decarboxylase; minus strand). Cytogenetic location: 9p24.1.
Variant type: single nucleotide variant.
Coding change: c.1832T>G on transcript NM_000170.3 (MANE Select); coding-DNA position 1832, T replaced by G.
Protein change: p.Val611Gly; replaces valine 611 with glycine.
Molecular consequence: missense variant.
Genome position (GRCh38, 1-based): chr9:6,587,159, A>C on the plus strand (T>G on the coding strand, the complement: GLDC is on the minus strand). VCF-style: chr9-6587159-A-C. GRCh37 (hg19) VCF-style: chr9-6587159-A-C.
Other names: short protein forms V611G.
Identifiers: ClinVar variation 56052 (VCV000056052.7), dbSNP rs386833533, ClinGen allele CA263315.

ClinVar aggregate classification (germline): Conflicting classifications of pathogenicity. Review status: criteria provided, conflicting classifications (1 of 4 stars). 3 submissions from 3 submitters: Likely pathogenic (1); Uncertain significance (1). 1 of the submissions does not count toward it. Last evaluated 2025-10-27.

Conditions:
Glycine encephalopathy. Also called: Nonketotic hyperglycinemia; Non-ketotic hyperglycinemia. Identifiers: Orphanet 407, MedGen C0751748, MONDO:0011612, HP:0008288.

Allele frequency attached by ClinVar (database versions not stated): gnomAD exomes below 0.00001.
gnomAD v4.1: 1 of 1,613,688 alleles (0.000062%); highest among the groups gnomAD compares: Non-Finnish European, 0.000085%; no homozygotes.

Submissions (3):

Labcorp Genetics (formerly Invitae), Labcorp
Classification: Likely pathogenic for Glycine encephalopathy. Last evaluated: 2025-10-27. Review status: criteria provided, single submitter. Criteria: Invitae Variant Classification Sherloc (09022015). Collection method: clinical testing. Allele origin: germline.
Comment: This sequence change replaces valine, which is neutral and non-polar, with glycine, which is neutral and non-polar, at codon 611 of the GLDC protein (p.Val611Gly). This variant is not present in population databases (gnomAD no frequency). This missense change has been observed in individual(s) with non-ketotic hyperglycinemia (PMID: 16450403). ClinVar contains an entry for this variant (Variation ID: 56052). Invitae Evidence Modeling of protein sequence and biophysical properties (such as structural, functional, and spatial information, amino acid conservation, physicochemical variation, residue mobility, and thermodynamic stability) indicates that this missense variant is expected to disrupt GLDC protein function with a positive predictive value of 95%. In summary, the currently available evidence indicates that the variant is pathogenic, but additional data are needed to prove that conclusively. Therefore, this variant has been classified as Likely Pathogenic.

Women's Health and Genetics/Laboratory Corporation of America, LabCorp
Classification: Uncertain significance. Last evaluated: 2025-01-08. Review status: criteria provided, single submitter. Criteria: LabCorp Variant Classification Summary - May 2015. Collection method: clinical testing. Allele origin: germline.
Comment: Variant summary: GLDC c.1832T>G (p.Val611Gly) results in a non-conservative amino acid change located in the glycine cleavage system P protein domain (IPR020581) of the encoded protein sequence. Five of five in-silico tools predict a damaging effect of the variant on protein function. The variant was absent in 251464 control chromosomes. The available data on variant occurrences in the general population are insufficient to allow any conclusion about variant significance. c.1832T>G has been reported in the literature in at least one individual affected with Glycine Encephalopathy (Non-Ketotic Hyperglycinemia) (Kure_2006). This report does not provide unequivocal conclusions about association of the variant with Glycine Encephalopathy (Non-Ketotic Hyperglycinemia). To our knowledge, no experimental evidence demonstrating an impact on protein function has been reported. The following publications have been ascertained in the context of this evaluation (PMID: 27362913, 16450403). ClinVar contains an entry for this variant (Variation ID: 56052). Based on the evidence outlined above, the variant was classified as uncertain significance.

Juha Muilu Group; Institute for Molecular Medicine Finland (FIMM)
Classification: Likely pathogenic for Non-ketotic hyperglycinemia. Review status: no assertion criteria provided. Collection method: not provided. Allele origin: unknown. Not counted in ClinVar's aggregate classification.
Comment: FinDis database variant: This variant was not found or characterized by our laboratory, data were collected from public sources: see reference
ClinVar note: Converted during submission from probable-pathogenic to Likely pathogenic.

Literature cited by the submitters: PubMed 16450403 (cited by Labcorp Genetics (formerly Invitae), Labcorp and Women's Health and Genetics/Laboratory Corporation of America, LabCorp); PubMed 27362913 (cited by Women's Health and Genetics/Laboratory Corporation of America, LabCorp).